The following is an entry in ClinVar:

NM_004447.6(EPS8):c.155C>T (p.Ala52Val)

Gene: EPS8 (EGFR pathway substrate 8, signaling adaptor; minus strand). Cytogenetic location: 12p12.3.
Variant type: single nucleotide variant.
Coding change: c.155C>T on transcript NM_004447.6 (MANE Select); coding-DNA position 155, C replaced by T.
Protein change: p.Ala52Val; replaces alanine 52 with valine.
Molecular consequence: missense variant. On other transcripts: 5 prime UTR variant (3), non-coding transcript variant (3).
Genome position (GRCh38, 1-based): chr12:15,670,905, G>A on the plus strand (C>T on the coding strand, the complement: EPS8 is on the minus strand). VCF-style: chr12-15670905-G-A. GRCh37 (hg19) VCF-style: chr12-15823839-G-A.
Other names: c.155C>T, p.Ala52Val (NM_001413831.1, NM_001413832.1, NM_001413833.1 and 3 more transcripts); c.-86C>T (NM_001413835.1, NM_001413836.1); c.-267C>T (NM_001413837.1); short protein forms A52V.
Identifiers: ClinVar variation 4989944 (VCV004989944.1).

ClinVar aggregate classification (germline): Uncertain significance (1 of 4 stars; one submission).

Conditions:
EPS8-related disorder. Also called: EPS8-related condition.

Submission:

PreventionGenetics, part of Exact Sciences
Classification: Uncertain significance for EPS8-related condition. Last evaluated: 2025-06-19. Review status: criteria provided, single submitter. Criteria: ACMG Guidelines, 2015. Collection method: clinical testing. Allele origin: germline.
Comment: The EPS8 c.155C>T variant is predicted to result in the amino acid substitution p.Ala52Val. To our knowledge, this variant has not been reported in the literature or in a large population database (gnomAD), indicating this variant is rare. At this time, the clinical significance of this variant is uncertain due to the absence of conclusive functional and genetic evidence.